The following is an entry in ClinVar:

ClinVar aggregate classification (germline): Pathogenic. Review status: criteria provided, multiple submitters, no conflicts (2 of 4 stars). 4 submissions from 4 submitters: Pathogenic (4). Last evaluated 2025-11-06.

Conditions:
Argininosuccinate lyase deficiency. Also called: ARGININOSUCCINIC ACID LYASE DEFICIENCY; ASL DEFICIENCY; Argininosuccinic aciduria. Identifiers: Orphanet 23, MedGen C0268547, MONDO:0008815, OMIM 207900, HP:0025630.

Submissions (4):

Labcorp Genetics (formerly Invitae), Labcorp
Classification: Pathogenic for Argininosuccinate lyase deficiency. Last evaluated: 2025-11-06. Review status: criteria provided, single submitter. Criteria: Invitae Variant Classification Sherloc (09022015). Collection method: clinical testing. Allele origin: germline.
Comment: This sequence change creates a premature translational stop signal (p.Met256Aspfs*79) in the ASL gene. It is expected to result in an absent or disrupted protein product. Loss-of-function variants in ASL are known to be pathogenic (PMID: 2263616, 24166829). This variant is not present in population databases (gnomAD no frequency). This premature translational stop signal has been observed in individuals with argininosuccinate lyase deficiency (PMID: 27515243). ClinVar contains an entry for this variant (Variation ID: 573845). For these reasons, this variant has been classified as Pathogenic.

Natera, Inc.
Classification: Pathogenic for Argininosuccinate lyase deficiency. Last evaluated: 2025-06-04. Review status: criteria provided, single submitter. Criteria: Natera Variant Classification Schema (03/2026). Collection method: clinical testing. Allele origin: germline.
Comment: The c.765dup variant in ASL is a frameshift variant predicted to shift the reading frame beginning at codon 256 and leads to a stop codon 79 codons downstream. This variant is expected to result in nonsense mediated decay, truncation, or a dysfunctional protein product. This variant is rare in the general population with a frequency below the threshold expected for the associated phenotype(s). This variant has been observed in one or more individuals affected with the associated recessive disease, as either homozygous or compound heterozygous with a second variant (PMID: 24166829). Given the available evidence, this variant is classified as Pathogenic.

Fulgent Genetics
Classification: Pathogenic for Argininosuccinate lyase deficiency. Last evaluated: 2024-06-18. Review status: criteria provided, single submitter. Criteria: ACMG Guidelines, 2015. Collection method: clinical testing. Allele origin: germline.

Baylor Genetics
Classification: Pathogenic for Argininosuccinate lyase deficiency. Last evaluated: 2024-01-17. Review status: criteria provided, single submitter. Criteria: ACMG Guidelines, 2015. Collection method: clinical testing. Allele origin: unknown.

Literature cited by the submitters: PubMed 2263616 (cited by Labcorp Genetics (formerly Invitae), Labcorp); PubMed 24166829 (cited by Labcorp Genetics (formerly Invitae), Labcorp and Natera, Inc.); PubMed 27515243 (cited by Labcorp Genetics (formerly Invitae), Labcorp).

NM_000048.4(ASL):c.765dup (p.Met256fs)

Gene: ASL (argininosuccinate lyase; plus strand). Cytogenetic location: 7q11.21.
Variant type: Duplication.
Coding change: c.765dup on transcript NM_000048.4 (MANE Select); coding-DNA position 765, one base duplicated (G; older notation c.765dupG).
Protein change: p.Met256fs; shifts the reading frame from methionine 256.
Molecular consequence: frameshift variant.
Genome position (GRCh38, 1-based): chr7:66,088,853, G duplicated; the last of 2 consecutive G bases (chr7:66,088,852-66,088,853); duplicating either gives the same sequence. VCF-style (leftmost placement, unchanged base first): chr7-66088851-A-AG. GRCh37 (hg19) VCF-style: chr7-65553838-A-AG.
Other names: c.765dup, p.Met256fs (NM_001024943.2, NM_001024944.2); c.687dup, p.Met230fs (NM_001024946.2); c.765dupG (NM_000048.3); c.765dup (NM_000048.3); short protein forms M230fs, M256fs.
Identifiers: ClinVar variation 573845 (VCV000573845.12), dbSNP rs1562742141, ClinGen allele CA891843174.